The following is an entry in ClinVar:

ClinVar aggregate classification (germline): Uncertain significance (1 of 4 stars; one submission).

Allele frequency attached by ClinVar (database versions not stated): gnomAD exomes below 0.00001.
gnomAD v4.1: 2 of 1,613,612 alleles (0.00012%); highest among the groups gnomAD compares: South Asian, 0.0011%; no homozygotes.

Submission:

Labcorp Genetics (formerly Invitae), Labcorp
Classification: Uncertain significance. Last evaluated: 2025-07-29. Review status: criteria provided, single submitter. Criteria: Invitae Variant Classification Sherloc (09022015). Collection method: clinical testing. Allele origin: germline.
Comment: This sequence change replaces glutamic acid, which is acidic and polar, with lysine, which is basic and polar, at codon 356 of the RORB protein (p.Glu356Lys). This variant is present in population databases (no rsID available, gnomAD 0.0009%). This missense change has been observed in individual(s) with clinical features of RORB-related conditions (internal data). This missense change has been observed in at least one individual who was not affected with RORB-related conditions (internal data). ClinVar contains an entry for this variant (Variation ID: 1363123). An algorithm developed to predict the effect of missense changes on protein structure and function (PolyPhen-2) suggests that this variant is likely to be disruptive. In summary, the available evidence is currently insufficient to determine the role of this variant in disease. Therefore, it has been classified as a Variant of Uncertain Significance.

NM_006914.4(RORB):c.1066G>A (p.Glu356Lys)

Gene: RORB (RAR related orphan receptor B; plus strand). Cytogenetic location: 9q21.13.
Variant type: single nucleotide variant.
Coding change: c.1066G>A on transcript NM_006914.4 (MANE Select); coding-DNA position 1066, G replaced by A.
Protein change: p.Glu356Lys; replaces glutamic acid 356 with lysine.
Molecular consequence: missense variant.
Genome position (GRCh38, 1-based): chr9:74,667,856, G>A. VCF-style: chr9-74667856-G-A. GRCh37 (hg19) VCF-style: chr9-77282772-G-A.
Other names: c.1099G>A, p.Glu367Lys (NM_001365023.1); short protein forms E356K, E367K.
Identifiers: ClinVar variation 1363123 (VCV001363123.8), dbSNP rs1415693884, ClinGen allele CA373771476.